The following is an entry in ClinVar:

ClinVar aggregate classification (germline): Uncertain significance (1 of 4 stars; one submission).

Submission:

CeGaT Center for Human Genetics Tuebingen
Classification: Uncertain significance. Last evaluated: 2024-07-01. Review status: criteria provided, single submitter. Criteria: CeGaT Center For Human Genetics Tuebingen Variant Classification Criteria Version 2. Collection method: clinical testing. Allele origin: germline. Affected: yes. Observed: 1 variant allele.
Comment: FOXP2: PM2, BP4

NM_014491.4(FOXP2):c.168+4A>T

Gene: FOXP2 (forkhead box P2; plus strand). Cytogenetic location: 7q31.1.
Variant type: single nucleotide variant.
Coding change: c.168+4A>T on transcript NM_014491.4 (MANE Select); 4 bases into the intron after coding-DNA position 168, A replaced by T.
Molecular consequence: intron variant.
Genome position (GRCh38, 1-based): chr7:114,426,683, A>T. VCF-style: chr7-114426683-A-T. GRCh37 (hg19) VCF-style: chr7-114066738-A-T.
Other names: c.168+4A>T (NM_148898.4, NM_148900.4, NM_001172766.3 and 2 more transcripts).
Identifiers: ClinVar variation 3257307 (VCV003257307.17).